The following is an entry in ClinVar:

ClinVar aggregate classification (germline): Uncertain significance (1 of 4 stars; one submission).

Conditions:
Bardet-Biedl syndrome (BBS). Identifiers: Orphanet 110, MedGen C0752166, MONDO:0015229.

Allele frequency attached by ClinVar (database versions not stated): gnomAD exomes 0.00001; ExAC 0.00004.

Submission:

Labcorp Genetics (formerly Invitae), Labcorp
Classification: Uncertain significance for Bardet-Biedl syndrome. Last evaluated: 2021-12-19. Review status: criteria provided, single submitter. Criteria: Invitae Variant Classification Sherloc (09022015). Collection method: clinical testing. Allele origin: germline.
Comment: This sequence change replaces alanine, which is neutral and non-polar, with valine, which is neutral and non-polar, at codon 76 of the BBS12 protein (p.Ala76Val). This variant is present in population databases (rs745957664, gnomAD 0.02%). This variant has not been reported in the literature in individuals affected with BBS12-related conditions. Algorithms developed to predict the effect of missense changes on protein structure and function are either unavailable or do not agree on the potential impact of this missense change (SIFT: "Deleterious"; PolyPhen-2: "Possibly Damaging"; Align-GVGD: "Class C0"). In summary, the available evidence is currently insufficient to determine the role of this variant in disease. Therefore, it has been classified as a Variant of Uncertain Significance.

NM_152618.3(BBS12):c.227C>T (p.Ala76Val)

Gene: BBS12 (Bardet-Biedl syndrome 12; plus strand). Cytogenetic location: 4q27.
Variant type: single nucleotide variant.
Coding change: c.227C>T on transcript NM_152618.3 (MANE Select); coding-DNA position 227, C replaced by T.
Protein change: p.Ala76Val; replaces alanine 76 with valine.
Molecular consequence: missense variant.
Genome position (GRCh38, 1-based): chr4:122,742,119, C>T. VCF-style: chr4-122742119-C-T. GRCh37 (hg19) VCF-style: chr4-123663274-C-T.
Other names: c.227C>T, p.Ala76Val (NM_001178007.2); short protein forms A76V.
Identifiers: ClinVar variation 1922070 (VCV001922070.2), dbSNP rs745957664, ClinGen allele CA3069260.